The following is an entry in ClinVar:

ClinVar aggregate classification (germline): Uncertain significance (1 of 4 stars; one submission).

Submission:

Labcorp Genetics (formerly Invitae), Labcorp
Classification: Uncertain significance. Last evaluated: 2025-02-13. Review status: criteria provided, single submitter. Criteria: Invitae Variant Classification Sherloc (09022015). Collection method: clinical testing. Allele origin: germline.
Comment: This sequence change replaces glycine, which is neutral and non-polar, with aspartic acid, which is acidic and polar, at codon 420 of the MATN3 protein (p.Gly420Asp). This variant is not present in population databases (gnomAD no frequency). This variant has not been reported in the literature in individuals affected with MATN3-related conditions. Invitae Evidence Modeling of protein sequence and biophysical properties (such as structural, functional, and spatial information, amino acid conservation, physicochemical variation, residue mobility, and thermodynamic stability) has been performed for this missense variant. However, the output from this modeling did not meet the statistical confidence thresholds required to predict the impact of this variant on MATN3 protein function. In summary, the available evidence is currently insufficient to determine the role of this variant in disease. Therefore, it has been classified as a Variant of Uncertain Significance.

NM_002381.5(MATN3):c.1259G>A (p.Gly420Asp)

Genes: MATN3 (matrilin 3; minus strand), WDR35-DT (WDR35 divergent transcript; plus strand). Cytogenetic location: 2p24.1.
Variant type: single nucleotide variant.
Coding change: c.1259G>A on transcript NM_002381.5 (MANE Select); coding-DNA position 1259, G replaced by A.
Protein change: p.Gly420Asp; replaces glycine 420 with aspartic acid.
Molecular consequence: missense variant.
Genome position (GRCh38, 1-based): chr2:19,997,169, C>T on the plus strand (G>A on the coding strand, the complement: MATN3 is on the minus strand). VCF-style: chr2-19997169-C-T. GRCh37 (hg19) VCF-style: chr2-20196930-C-T.
Other names: short protein forms G420D.
Identifiers: ClinVar variation 4742146 (VCV004742146.1).